The following is an entry in ClinVar:

ClinVar aggregate classification (germline): Uncertain significance (1 of 4 stars; one submission).

Submission:

Labcorp Genetics (formerly Invitae), Labcorp
Classification: Uncertain significance. Last evaluated: 2022-06-22. Review status: criteria provided, single submitter. Criteria: Invitae Variant Classification Sherloc (09022015). Collection method: clinical testing. Allele origin: germline.
Comment: In summary, the available evidence is currently insufficient to determine the role of this variant in disease. Therefore, it has been classified as a Variant of Uncertain Significance. Algorithms developed to predict the effect of missense changes on protein structure and function are either unavailable or do not agree on the potential impact of this missense change (SIFT: "Deleterious"; PolyPhen-2: "Probably Damaging"; Align-GVGD: "Class C0"). This variant has not been reported in the literature in individuals affected with HMX1-related conditions. This variant is not present in population databases (gnomAD no frequency). This sequence change replaces glycine, which is neutral and non-polar, with valine, which is neutral and non-polar, at codon 201 of the HMX1 protein (p.Gly201Val).

NM_018942.3(HMX1):c.602G>T (p.Gly201Val)

Gene: HMX1 (H6 family homeobox 1; minus strand). Cytogenetic location: 4p16.1.
Variant type: single nucleotide variant.
Coding change: c.602G>T on transcript NM_018942.3 (MANE Select); coding-DNA position 602, G replaced by T.
Protein change: p.Gly201Val; replaces glycine 201 with valine.
Molecular consequence: missense variant. On other transcripts: intron variant (1).
Genome position (GRCh38, 1-based): chr4:8,868,138, C>A on the plus strand (G>T on the coding strand, the complement: HMX1 is on the minus strand). VCF-style: chr4-8868138-C-A. GRCh37 (hg19) VCF-style: chr4-8869864-C-A.
Other names: c.394+3083G>T (NM_001306142.2); short protein forms G201V.
Identifiers: ClinVar variation 2009325 (VCV002009325.4), dbSNP rs1297343015, ClinGen allele CA356278218.